The following is an entry in ClinVar:

NM_015665.6(AAAS):c.43C>A (p.Gln15Lys)

Gene: AAAS (aladin WD repeat nucleoporin; minus strand). Cytogenetic location: 12q13.13.
Variant type: single nucleotide variant.
Coding change: c.43C>A on transcript NM_015665.6 (MANE Select); coding-DNA position 43, C replaced by A.
Protein change: p.Gln15Lys; replaces glutamine 15 with lysine.
Molecular consequence: missense variant.
Genome position (GRCh38, 1-based): chr12:53,321,423, G>T on the plus strand (C>A on the coding strand, the complement: AAAS is on the minus strand). VCF-style: chr12-53321423-G-T. GRCh37 (hg19) VCF-style: chr12-53715207-G-T.
Other names: c.43C>A, p.Gln15Lys (NM_001173466.2); short protein forms Q15K.
Identifiers: ClinVar variation 5044 (VCV000005044.35), dbSNP rs121918549, ClinGen allele CA117227.

ClinVar aggregate classification (germline): Pathogenic. Review status: criteria provided, multiple submitters, no conflicts (2 of 4 stars). 21 submissions from 21 submitters: Pathogenic (18). 3 of the submissions do not count toward it. Last evaluated 2025-12-23.

Conditions:
AAAS-related disorder. Also called: AAAS-related condition.
Inborn genetic diseases. Identifiers: MedGen C0950123, MeSH D030342.
Glucocorticoid deficiency with achalasia (AAAS). Also called: Achalasia-addisonianism-alacrimia syndrome; Achalasia-Addisonianism-Alacrima (Triple-A) Syndrome; ALACRIMA-ACHALASIA-ADRENAL INSUFFICIENCY NEUROLOGIC DISORDER; Addisonian achalasia syndrome; Triple-A syndrome; Alacrima-achalasia-addisonianism. Identifiers: Orphanet 869, MedGen C0271742, MONDO:0009279, OMIM 231550.

Allele frequency attached by ClinVar (database versions not stated): TOPMed 0.00014; ExAC 0.00023; gnomAD 0.00003.

Submissions 1 to 12 of 22:

Labcorp Genetics (formerly Invitae), Labcorp
Classification: Pathogenic. Last evaluated: 2025-12-23. Review status: criteria provided, single submitter. Criteria: Invitae Variant Classification Sherloc (09022015). Collection method: clinical testing. Allele origin: germline.
Comment: This sequence change replaces glutamine, which is neutral and polar, with lysine, which is basic and polar, at codon 15 of the AAAS protein (p.Gln15Lys). This variant is present in population databases (rs121918549, gnomAD 0.06%). This missense change has been observed in individual(s) with achalasia-addisonianism-alacrimia syndrome (PMID: 11159947, 22538409, 32146693). In at least one individual the data is consistent with being in trans (on the opposite chromosome) from a pathogenic variant. It has also been observed to segregate with disease in related individuals. ClinVar contains an entry for this variant (Variation ID: 5044). Invitae Evidence Modeling of protein sequence and biophysical properties (such as structural, functional, and spatial information, amino acid conservation, physicochemical variation, residue mobility, and thermodynamic stability) indicates that this missense variant is not expected to disrupt AAAS protein function with a negative predictive value of 80%. Algorithms developed to predict the effect of sequence changes on RNA splicing suggest that this variant may disrupt the consensus splice site. For these reasons, this variant has been classified as Pathogenic.

3billion
Classification: Pathogenic for Glucocorticoid deficiency with achalasia. Last evaluated: 2025-12-02. Review status: criteria provided, single submitter. Criteria: ACMG Guidelines, 2015. Collection method: clinical testing. Allele origin: germline. Affected: yes.
Comment: The variant is observed at an extremely low frequency in the gnomAD v4.1.0 dataset (total allele frequency: 0.016%). Predicted Consequence/Location: Missense variant. The majority of the known disease-causing variants of this gene are variants expected to result in premature termination of the protein. In silico tools predict the variant to alter splicing and produce an abnormal transcript [SpliceAI: 0.93 (>=0.2, moderate evidence for spliceogenicity)]. The same nucleotide change resulting in the same amino acid change has been previously reported as pathogenic/likely pathogenic with strong evidence (ClinVar ID: VCV000005044 /PMID: 11159947 /3billion dataset). The variant has been reported to be in trans with a pathogenic variant as either compound heterozygous or homozygous in at least 2 similarly affected unrelated individuals (PMID: 11701718, 12429595, 16609705). The variant has been reported to co-segregate with the disease in at least one similarly affected relative/individual in the same family or similarly affected unrelated families (PMID: 12429595). Therefore, this variant is classified as Pathogenic according to the recommendation of ACMG/AMP guideline.

Variantyx, Inc.
Classification: Pathogenic for Glucocorticoid deficiency with achalasia. Last evaluated: 2025-08-11. Review status: criteria provided, single submitter. Criteria: Variantyx Assertion Criteria 2022. Collection method: clinical testing. Allele origin: germline. Inheritance: Autosomal recessive inheritance. Affected: yes.
Comment: This is a nonsynonymous variant in the AAAS gene (OMIM: 605378). Pathogenic variants in this gene have been associated with autosomal recessive achalasia-addisonianism-alacrimia syndrome. This splicing variant is expected to result in loss of function, which is a known disease mechanism for AAAS in this disorder (PMID: 16609705) (PVS1). This variant has been identified in the homozygous state in at least six families in the published literature (PMID: 16609705) (PM3). It has a 0.0516% maximum allele frequency in non-founder control populations (PM2). Computational algorithms produce conflicting evidence regarding the predicted functional impact of this variant (REVEL score: 0.502). Based on the current evidence, this variant is classified as pathogenic for autosomal recessive achalasia-addisonianism-alacrimia syndrome.

Revvity Omics, Revvity
Classification: Pathogenic for Glucocorticoid deficiency with achalasia. Last evaluated: 2025-06-24. Review status: criteria provided, single submitter. Criteria: ACMG Guidelines, 2015. Collection method: clinical testing. Allele origin: germline.

Ambry Genetics
Classification: Pathogenic for Inborn genetic diseases. Last evaluated: 2024-10-18. Review status: criteria provided, single submitter. Criteria: Ambry Variant Classification Scheme 2023. Collection method: clinical testing. Allele origin: germline.
Comment: The c.43C>A (p.Q15K) alteration is located in exon 1 (coding exon 1) of the AAAS gene. This alteration results from a C to A substitution at nucleotide position 43, causing the glutamine (Q) at amino acid position 15 to be replaced by a lysine (K). Based on data from gnomAD, the A allele has an overall frequency of 0.017% (47/282768) total alleles studied. The highest observed frequency was 0.056% (17/30616) of South Asian alleles. This variant (also referred to as p.G14Vfs*45) has been identified in the homozygous state and in conjunction with other AAAS variants in multiple individuals with features consistent with triple A syndrome; in at least one instance, the variants were identified in trans (Jayant, 2021; Ulgiati, 2021; Zheng, 2020; Lorea, 2020; Vezzoli, 2020; Ganapathy, 2019; Zhang, 2017; Vallet, 2012; Dumic, 2012; Huebner, 2004). This nucleotide position is not well conserved in available vertebrate species. RNA studies have demonstrated that this alteration results in abnormal splicing (Krumbholz, 2006). The in silico prediction for this alteration is inconclusive. In silico splice site analysis predicts that this alteration will result in the creation or strengthening of a novel splice donor site. Based on the available evidence, this alteration is classified as pathogenic.

Dasa
Classification: Pathogenic. Last evaluated: 2024-09-16. Review status: criteria provided, single submitter. Criteria: DASA Assertion Criteria. Collection method: clinical testing. Allele origin: germline.
Comment: NM_015665.6(AAAS):c.43C>A (p.Gln15Lys) is a missense variant that results in the substitution of glutamine with lysine. Functional evidence supports a deleterious effect on the gene or gene product (PMID: 16609705; PMID: 11159947; PMID: 32146693; PMID: 23073554; PMID: 12429595). This variant has been recurrently observed in individuals with related phenotype (PMID: 16609705; PMID: 11159947; PMID: 32146693; PMID: 23073554; PMID: 12429595). Segregation evidence has been reported in affected families. The variant is present at low frequency in population datasets. Based on the available data, this variant is classified as pathogenic.

Blueprint Genetics
Classification: Pathogenic for AAAS-related disorders. Last evaluated: 2024-09-02. Review status: criteria provided, single submitter. Criteria: ACMG Guidelines, 2015. Collection method: clinical testing. Allele origin: germline. Affected: yes. Observed: 5 variant alleles.

Genetics and Genomic Medicine Centre, NeuroGen Healthcare, NeuroGen Healthcare
Classification: Pathogenic for Glucocorticoid deficiency with achalasia. Last evaluated: 2024-05-30. Review status: criteria provided, single submitter. Criteria: ACMG Guidelines, 2015. Collection method: clinical testing. Allele origin: unknown. Affected: yes.

Fulgent Genetics
Classification: Pathogenic for Glucocorticoid deficiency with achalasia. Last evaluated: 2024-03-07. Review status: criteria provided, single submitter. Criteria: ACMG Guidelines, 2015. Collection method: clinical testing. Allele origin: germline.

Department of Pathology and Laboratory Medicine, Sinai Health System
Classification: Pathogenic for triple-A syndrome. Last evaluated: 2023-08-15. Review status: criteria provided, single submitter. Criteria: ACMG Guidelines, 2015. Collection method: research. Allele origin: germline.

Neuberg Centre For Genomic Medicine, NCGM
Classification: Pathogenic for Glucocorticoid deficiency with achalasia. Last evaluated: 2023-07-22. Review status: criteria provided, single submitter. Criteria: ACMG Guidelines, 2015. Collection method: clinical testing. Allele origin: germline. Inheritance: Autosomal recessive inheritance. Affected: yes.
Comment: The missense variant c.43C>A p.Gln15Lys in the AAAS gene has been reported previously in heterozygous and homozygous state in individuals affected with Triple A Allgrove syndrome. In a study, they concluded that the c.43C>A variant creates a novel splice donor site resulting in a frameshift and premature truncation of the protein referred to as p.Gly14ValfsTer45 Jayant et al., 2021; Krumbholz et al., 2006. This variant is reported with the allele frequency 0.01% in the gnomAD. It is submitted to ClinVar with varying interpretations as Uncertain significance/ Pathogenic multiple submitters. The amino acid Gln at position 15 is changed to a Lys changing protein sequence and it might alter its composition and physico-chemical properties. Computational evidence Polyphen, SIFT and MutationTaster predicts conflicting evidence on protein structure and function for this variant. For these reasons, this variant has been classified as Pathogenic.

Mayo Clinic Laboratories, Mayo Clinic
Classification: Pathogenic. Last evaluated: 2022-10-27. Review status: criteria provided, single submitter. Criteria: ACMG Guidelines, 2015. Collection method: clinical testing. Allele origin: germline. Observed: 1 variant allele.
Comment: PP1, PP4, PM1, PM2, PM3_strong, PS3, PS4